The following is an entry in ClinVar:

ClinVar aggregate classification (germline): Uncertain significance (1 of 4 stars; one submission).

Allele frequency attached by ClinVar (database versions not stated): gnomAD exomes below 0.00001.
gnomAD v4.1: 3 of 1,614,148 alleles (0.00019%); highest among the groups gnomAD compares: African/African-American, 0.0027%; no homozygotes.

Submission:

GeneDx
Classification: Uncertain significance. Last evaluated: 2023-03-12. Review status: criteria provided, single submitter. Criteria: GeneDx Variant Classification Process June 2021. Collection method: clinical testing. Allele origin: germline. Affected: yes.
Comment: Not observed at significant frequency in large population cohorts (gnomAD); In silico analysis supports that this missense variant does not alter protein structure/function; Has not been previously published as pathogenic or benign to our knowledge

NM_001197104.2(KMT2A):c.7792G>A (p.Asp2598Asn)

Gene: KMT2A (lysine methyltransferase 2A; plus strand). Cytogenetic location: 11q23.3.
Variant type: single nucleotide variant.
Coding change: c.7792G>A on transcript NM_001197104.2 (MANE Select); coding-DNA position 7792, G replaced by A.
Protein change: p.Asp2598Asn; replaces aspartic acid 2598 with asparagine.
Molecular consequence: missense variant.
Genome position (GRCh38, 1-based): chr11:118,503,684, G>A. VCF-style: chr11-118503684-G-A. GRCh37 (hg19) VCF-style: chr11-118374399-G-A.
Other names: c.7882G>A, p.Asp2628Asn (NM_001412597.1); c.7783G>A, p.Asp2595Asn (NM_005933.4); short protein forms D2595N, D2598N, D2628N.
Identifiers: ClinVar variation 2579830 (VCV002579830.1), dbSNP rs1950537820, ClinGen allele CA382807186.